The following is an entry in ClinVar:

ClinVar aggregate classification (germline): Benign/Likely benign. Review status: criteria provided, multiple submitters, no conflicts (2 of 4 stars). 4 submissions from 4 submitters: Benign (1); Likely benign (3). Last evaluated 2025-03-04.

Conditions:
Lynch syndrome 4 (LYNCH4). Also called: Colorectal cancer, hereditary nonpolyposis, type 4; Hereditary non-polyposis colorectal cancer, type 4. Identifiers: Orphanet 144, MedGen C1838333, MONDO:0013699, OMIM 614337. Disease mechanism: loss of function.
Hereditary cancer-predisposing syndrome. Also called: Hereditary neoplastic syndrome; Neoplastic Syndromes, Hereditary; Tumor predisposition; Hereditary Cancer Syndrome. Identifiers: Orphanet 140162, MedGen C0027672, MeSH D009386, MONDO:0015356.
Hereditary nonpolyposis colorectal neoplasms. Identifiers: MedGen C0009405, MeSH D003123.

Allele frequency attached by ClinVar (database versions not stated): gnomAD exomes below 0.00001.
gnomAD v4.1: 1 of 1,614,178 alleles (0.000062%); highest among the groups gnomAD compares: East Asian, 0.0022%; no homozygotes.

Submissions (4):

Center for Genomic Medicine, Rigshospitalet, Copenhagen University Hospital
Classification: Likely benign. Last evaluated: 2025-03-04. Review status: criteria provided, single submitter. Criteria: ACMG Guidelines, 2015. Collection method: clinical testing. Allele origin: germline.

Myriad Genetics, Inc.
Classification: Benign for Lynch syndrome 4. Last evaluated: 2025-01-31. Review status: criteria provided, single submitter. Criteria: Myriad Autosomal Dominant, Autosomal Recessive and X-Linked Classification Criteria (2023). Collection method: clinical testing. Allele origin: unknown.
Comment: This variant is considered benign. This variant is a silent/synonymous amino acid change and it is not expected to impact splicing.

Labcorp Genetics (formerly Invitae), Labcorp
Classification: Likely benign for Hereditary nonpolyposis colorectal neoplasms. Last evaluated: 2022-12-02. Review status: criteria provided, single submitter. Criteria: Invitae Variant Classification Sherloc (09022015). Collection method: clinical testing. Allele origin: germline.

Ambry Genetics
Classification: Likely benign for Hereditary cancer-predisposing syndrome. Last evaluated: 2021-01-20. Review status: criteria provided, single submitter. Criteria: Ambry Variant Classification Scheme 2023. Collection method: clinical testing. Allele origin: germline.

NM_000535.7(PMS2):c.1842A>G (p.Lys614=)

Gene: PMS2 (PMS1 homolog 2, mismatch repair system component; minus strand). Cytogenetic location: 7p22.1.
Variant type: single nucleotide variant.
Coding change: c.1842A>G on transcript NM_000535.7 (MANE Select); coding-DNA position 1842, A replaced by G.
Protein change: p.Lys614=; no amino-acid change (lysine 614 retained).
Molecular consequence: synonymous variant. On other transcripts: non-coding transcript variant (1).
Genome position (GRCh38, 1-based): chr7:5,986,923, T>C on the plus strand (A>G on the coding strand, the complement: PMS2 is on the minus strand). VCF-style: chr7-5986923-T-C. GRCh37 (hg19) VCF-style: chr7-6026554-T-C.
Other names: c.1842A>G (NM_000535.5); c.1437A>G, p.Lys479= (NM_001322003.2, NM_001322004.2, NM_001322005.2 and 1 more transcripts); c.1686A>G, p.Lys562= (NM_001322006.2); c.1524A>G, p.Lys508= (NM_001322007.2, NM_001322008.2); c.1281A>G, p.Lys427= (NM_001322010.2); c.909A>G, p.Lys303= (NM_001322011.2, NM_001322012.2); c.1269A>G, p.Lys423= (NM_001322013.2); c.1842A>G, p.Lys614= (NM_001322014.2); and 1 more.
Identifiers: ClinVar variation 1122514 (VCV001122514.18), dbSNP rs2128722527, ClinGen allele CA453745767.